The following is an entry in ClinVar:

ClinVar aggregate classification (germline): Uncertain significance (1 of 4 stars; one submission).

Allele frequency attached by ClinVar (database versions not stated): ExAC 0.00001.
gnomAD v4.1: 1 of 1,614,196 alleles (0.000062%); no homozygotes.

Submission:

Labcorp Genetics (formerly Invitae), Labcorp
Classification: Uncertain significance. Last evaluated: 2022-05-25. Review status: criteria provided, single submitter. Criteria: Invitae Variant Classification Sherloc (09022015). Collection method: clinical testing. Allele origin: germline.
Comment: In summary, the available evidence is currently insufficient to determine the role of this variant in disease. Therefore, it has been classified as a Variant of Uncertain Significance. Advanced modeling of protein sequence and biophysical properties (such as structural, functional, and spatial information, amino acid conservation, physicochemical variation, residue mobility, and thermodynamic stability) performed at Invitae indicates that this missense variant is not expected to disrupt FLNB protein function. This variant has not been reported in the literature in individuals affected with FLNB-related conditions. This variant is present in population databases (rs754914843, gnomAD 0.006%). This sequence change replaces isoleucine, which is neutral and non-polar, with valine, which is neutral and non-polar, at codon 1118 of the FLNB protein (p.Ile1118Val).

NM_001457.4(FLNB):c.3352A>G (p.Ile1118Val)

Gene: FLNB (filamin B; plus strand). Cytogenetic location: 3p14.3.
Variant type: single nucleotide variant.
Coding change: c.3352A>G on transcript NM_001457.4 (MANE Select); coding-DNA position 3352, A replaced by G.
Protein change: p.Ile1118Val; replaces isoleucine 1118 with valine.
Molecular consequence: missense variant.
Genome position (GRCh38, 1-based): chr3:58,123,318, A>G. VCF-style: chr3-58123318-A-G. GRCh37 (hg19) VCF-style: chr3-58109045-A-G.
Other names: c.3352A>G, p.Ile1118Val (NM_001164317.2, NM_001164318.2, NM_001164319.2); short protein forms I1118V.
Identifiers: ClinVar variation 1998517 (VCV001998517.4), dbSNP rs754914843, ClinGen allele CA2468395.